The following is an entry in ClinVar:

ClinVar aggregate classification (germline): Conflicting classifications of pathogenicity. Review status: criteria provided, conflicting classifications (1 of 4 stars). 16 submissions from 15 submitters: Uncertain significance (12); Likely benign (3). 1 of the submissions does not count toward it. Last evaluated 2026-05-01.

Conditions:
CHEK2-related cancer predisposition (TPDS4). Also called: TUMOR PREDISPOSITION SYNDROME 4; CANCER PREDISPOSITION SYNDROME, CHEK2-RELATED; CHEK2-related cancer susceptibility. Identifiers: Orphanet 524, MedGen C5882668, MONDO:0700271, OMIM 609265.
Bone osteosarcoma. Also called: Osteosarcoma, somatic. Identifiers: Orphanet 668, MedGen C0585442, MONDO:0002629, OMIM 259500.
Familial prostate cancer. Also called: Hereditary Prostate Cancer. Identifiers: MedGen C2931456, MONDO:0700275, OMIM 176807.
CHEK2-related disorder.
Hereditary cancer-predisposing syndrome. Also called: Neoplastic Syndromes, Hereditary; Hereditary neoplastic syndrome; Hereditary Cancer Syndrome; Tumor predisposition. Identifiers: Orphanet 140162, MedGen C0027672, MeSH D009386, MONDO:0015356.
Familial cancer of breast. Also called: BREAST CANCER, FAMILIAL; hereditary breast carcinoma; Hereditary breast cancer. Identifiers: Orphanet 227535, MedGen C0346153, MONDO:0016419, OMIM 114480. Disease mechanism: loss of function.

Allele frequency attached by ClinVar (database versions not stated): ExAC 0.00002; gnomAD exomes 0.00002; gnomAD 0.00003 and 0.00004; TOPMed 0.00006; ESP Exome Variant Server 0.00008.
gnomAD v4.1: 222 of 1,613,860 alleles (0.014%); highest among the groups gnomAD compares: Non-Finnish European, 0.019%; no homozygotes.

Submissions 1 to 9 of 16:

PreventionGenetics, part of Exact Sciences
Classification: Uncertain significance for CHEK2-related condition. Last evaluated: 2026-05-01. Review status: criteria provided, single submitter. Criteria: ACMG Guidelines, 2015. Collection method: clinical testing. Allele origin: germline.
Comment: The CHEK2 c.727T>C variant is predicted to result in the amino acid substitution p.Cys243Arg. This variant was reported in individuals with breast cancer (Table S3, Girard et al. 2019. PubMed ID: 30303537; supplementary data, Tung et al. 2015. PubMed ID: 25186627). This variant was also reported in one control individual in a study related to a breast cancer family registry case-control mutation-screening (Table S1, Le Calvez-Kelm et al. 2011. PubMed ID: 21244692). A case-control meta-analysis identified this variant in 4 individuals affected with breast cancer, but also in 8 healthy controls (supplementary data, Dorling et al. 2021. PubMed ID: 33471991). Additionally, a functional study in a Saccharomyces cerevisiae system supports that this variant is more likely to be benign (Table 1, Delimitsou et al. 2019. PubMed ID: 30851065). This variant is reported in 0.0046% of alleles in individuals of European (Non-Finnish) descent in gnomAD and has been reported with conflicting interpretations in ClinVar ranging from likely benign to uncertain significance (Variation ID: 140933). At this time, the clinical significance of this variant is uncertain due to the absence of conclusive functional and genetic evidence.

Labcorp Genetics (formerly Invitae), Labcorp
Classification: Uncertain significance for Familial cancer of breast. Last evaluated: 2026-02-03. Review status: criteria provided, single submitter. Criteria: Invitae Variant Classification Sherloc (09022015). Collection method: clinical testing. Allele origin: germline.
Comment: This sequence change replaces cysteine, which is neutral and slightly polar, with arginine, which is basic and polar, at codon 243 of the CHEK2 protein (p.Cys243Arg). This variant is present in population databases (rs141776984, gnomAD 0.004%). This missense change has been observed in individual(s) with breast cancer (PMID: 25186627, 30303537). ClinVar contains an entry for this variant (Variation ID: 140933). An algorithm developed to predict the effect of missense changes on protein structure and function (PolyPhen-2) suggests that this variant is likely to be disruptive. Experimental studies have shown that this missense change does not substantially affect CHEK2 function (PMID: 30851065). In summary, the available evidence is currently insufficient to determine the role of this variant in disease. Therefore, it has been classified as a Variant of Uncertain Significance.

Color Diagnostics, LLC DBA Color Health
Classification: Uncertain significance for Hereditary cancer-predisposing syndrome. Last evaluated: 2025-12-16. Review status: criteria provided, single submitter. Criteria: ACMG Guidelines, 2015. Collection method: clinical testing. Allele origin: germline.
Comment: This missense variant replaces cysteine with arginine at codon 243 of the CHEK2 protein. Computational prediction suggests that this variant may not impact protein structure and function. Functional studies have reported that this variant behaved like wild-type in a yeast DNA damage response assay (PMID: 30851065) and in kinase assays in mouse embryonic stem cells (PMID: 34903604), however was detrimental to function in CHK2 auto-phosphorylation and KAP1 in vitro kinase assays (PMID: 37449874). This variant has been reported in an individual affected with familial breast cancer (PMID: 30303537) and in a healthy control individual (PMID: 21244692). This variant also has been detected in a breast cancer case-control meta-analysis in 4/60466 cases and 8/53461 unaffected individuals (PMID: 33471991). This variant has been identified in 222/1613860 chromosomes in the general population by the Genome Aggregation Database (gnomAD). The available evidence is insufficient to determine the role of this variant in disease conclusively. Therefore, this variant is classified as a Variant of Uncertain Significance.

Women's Health and Genetics/Laboratory Corporation of America, LabCorp
Classification: Uncertain significance. Last evaluated: 2025-11-13. Review status: criteria provided, single submitter. Criteria: LabCorp Variant Classification Summary - May 2015. Collection method: clinical testing. Allele origin: germline.
Comment: Variant summary: CHEK2 c.727T>C (p.Cys243Arg) results in a non-conservative amino acid change located in the Protein kinase domain (IPR000719) of the encoded protein sequence. Algorithms developed to predict the effect of missense changes on protein structure and function are either unavailable or do not agree on the potential impact of this missense change. The variant allele was found at a frequency of 2e-05 in 253606 control chromosomes, predominantly at a frequency of 3.5e-05 within the Non-Finnish European subpopulation in the gnomAD database. The available data on variant occurrences in the general population are insufficient to allow any conclusion about variant significance. c.727T>C has been reported in the literature as a VUS within settings of multigene panel testing in individuals affected breast cancer (example, Young_2016, Tung_2014, Girard_2019). These report(s) do not provide unequivocal conclusions about association of the variant with Hereditary Breast And Ovarian Cancer Syndrome. At least one publication reports experimental evidence evaluating an impact on protein function (Delimitsou_2019). These results showed no damaging effect of this variant in its ability to repair methyl-methanesulfonate (MMS) induced DNA damage in a yeast based experimental system. The following publications have been ascertained in the context of this evaluation (PMID: 30851065, 30303537, 21244692, 25186627, 26787654). ClinVar contains an entry for this variant (Variation ID: 140933). Based on the evidence outlined above, the variant was classified as VUS-possibly benign.

Quest Diagnostics Nichols Institute San Juan Capistrano
Classification: Uncertain significance. Last evaluated: 2025-09-19. Review status: criteria provided, single submitter. Criteria: Quest Diagnostics criteria. Collection method: clinical testing. Allele origin: unknown.
Comment: The CHEK2 c.727T>C (p.Cys243Arg) variant has been reported in the published literature in individuals with breast cancer (PMID: 30303537 (2019), 26787654 (2016), 33471991 (2021), see also LOVD) and in reportedly unaffected individuals (PMID: 21244692 (2011), 33471991 (2021), see also LOVD). In vivo functional studies report this variant does not have a significant effect CHEK2 protein activity (PMID: 30851065 (2019), 34903604 (2021)). The frequency of this variant in the general population (Genome Aggregation Database) is uninformative in the assessment of its pathogenicity. Analysis of this variant using bioinformatics tools for the prediction of the effect of amino acid changes on protein structure and function yielded conflicting predictions that this variant is benign or damaging. Based on the available information, we are unable to determine the clinical significance of this variant.

GeneDx
Classification: Uncertain significance. Last evaluated: 2025-09-17. Review status: criteria provided, single submitter. Criteria: GeneDx Variant Classification Process June 2021. Collection method: clinical testing. Allele origin: germline. Affected: yes.
Comment: Not observed at significant frequency in large population cohorts (gnomAD); In silico analysis supports that this missense variant has a deleterious effect on protein structure/function; This variant is associated with the following publications: (PMID: 26787654, 21244692, 30303537, 30851065, 34903604, 25186627, 33471991, 19782031, 22419737, 39642869, 37449874)

Myriad Genetics, Inc.
Classification: Likely benign for Familial cancer of breast. Last evaluated: 2025-03-20. Review status: criteria provided, single submitter. Criteria: Myriad Autosomal Dominant, Autosomal Recessive and X-Linked Classification Criteria (2023). Collection method: clinical testing. Allele origin: unknown.
Comment: This variant is considered likely benign. This variant is strongly associated with less severe personal and family histories of cancer, typical for individuals without pathogenic variants in this gene [PMID: 25085752].

Mayo Clinic Laboratories, Mayo Clinic
Classification: Uncertain significance. Last evaluated: 2025-01-03. Review status: criteria provided, single submitter. Criteria: ACMG Guidelines, 2015. Collection method: clinical testing. Allele origin: germline. Observed: 1 variant allele.
Comment: BS3_supporting

Molecular Pathology, Peter Maccallum Cancer Centre
Classification: Uncertain significance for Familial cancer of breast. Last evaluated: 2024-11-08. Review status: criteria provided, single submitter. Criteria: ACMG Guidelines, 2015. Collection method: clinical testing. Allele origin: germline. Inheritance: Autosomal dominant inheritance.

NM_007194.4(CHEK2):c.727T>C (p.Cys243Arg)

Gene: CHEK2 (checkpoint kinase 2; minus strand). Cytogenetic location: 22q12.1.
Variant type: single nucleotide variant.
Coding change: c.727T>C on transcript NM_007194.4 (MANE Select); coding-DNA position 727, T replaced by C.
Protein change: p.Cys243Arg; replaces cysteine 243 with arginine.
Molecular consequence: missense variant.
Genome position (GRCh38, 1-based): chr22:28,711,974, A>G on the plus strand (T>C on the coding strand, the complement: CHEK2 is on the minus strand). VCF-style: chr22-28711974-A-G. GRCh37 (hg19) VCF-style: chr22-29107962-A-G.
Other names: p.C243R:TGT>CGT; c.526T>C, p.Cys176Arg (NM_001349956.3); c.727T>C, p.Cys243Arg (NM_145862.3); c.856T>C, p.Cys286Arg (NM_001005735.3); c.64T>C, p.Cys22Arg (NM_001257387.3); short protein forms C243R, C22R, C176R, C286R.
Identifiers: ClinVar variation 140933 (VCV000140933.61), dbSNP rs141776984, ClinGen allele CA294007.